The following is an entry in ClinVar:

NM_003482.4(KMT2D):c.16390A>G (p.Thr5464Ala)

Gene: KMT2D (lysine methyltransferase 2D; minus strand). Cytogenetic location: 12q13.12.
Variant type: single nucleotide variant.
Coding change: c.16390A>G on transcript NM_003482.4 (MANE Select); coding-DNA position 16390, A replaced by G.
Protein change: p.Thr5464Ala; replaces threonine 5464 with alanine.
Molecular consequence: missense variant.
Genome position (GRCh38, 1-based): chr12:49,022,302, T>C on the plus strand (A>G on the coding strand, the complement: KMT2D is on the minus strand). VCF-style: chr12-49022302-T-C. GRCh37 (hg19) VCF-style: chr12-49416085-T-C.
Other names: short protein forms T5464A.
Identifiers: ClinVar variation 4998592 (VCV004998592.1).

ClinVar aggregate classification (germline): Likely pathogenic (1 of 4 stars; one submission).

Conditions:
KMT2D-related disorder. Also called: KMT2D-Related Disorders.

Submission:

PreventionGenetics, part of Exact Sciences
Classification: Likely pathogenic for KMT2D-related condition. Last evaluated: 2025-03-21. Review status: criteria provided, single submitter. Criteria: ACMG Guidelines, 2015. Collection method: clinical testing. Allele origin: germline.
Comment: The KMT2D c.16390A>G variant is predicted to result in the amino acid substitution p.Thr5464Ala. To our knowledge, this variant has not been reported in the literature or in a large population database (gnomAD), indicating this variant is rare. An alternate missense change at the same amino acid position has been reported in multiple affected individuals, including segregation with the disease in three family members (Lin et al. 2014. PubMed ID: 25142838; Ng et al. 2010. PubMed ID: 20711175; Jorge et al. 2023. PubMed ID: 38090150). We classify this variant as likely pathogenic.